The following is an entry in ClinVar:

NM_001385875.1(ZFYVE27):c.1064C>G (p.Ala355Gly)

Gene: ZFYVE27 (zinc finger FYVE-type containing 27; plus strand). Cytogenetic location: 10q24.2.
Variant type: single nucleotide variant.
Coding change: c.1064C>G on transcript NM_001385875.1 (MANE Select); coding-DNA position 1064, C replaced by G.
Protein change: p.Ala355Gly; replaces alanine 355 with glycine.
Molecular consequence: missense variant. On other transcripts: non-coding transcript variant (16).
Genome position (GRCh38, 1-based): chr10:97,757,286, C>G. VCF-style: chr10-97757286-C-G. GRCh37 (hg19) VCF-style: chr10-99517043-C-G.
Other names: c.1079C>G, p.Ala360Gly (NM_001002261.4, NM_001385871.1); c.1043C>G, p.Ala348Gly (NM_001002262.4, NM_001385880.1, NM_001385881.1 and 2 more transcripts); c.947C>G, p.Ala316Gly (NM_001174119.2, NM_001385889.1); c.785C>G, p.Ala262Gly (NM_001174120.2); c.764C>G, p.Ala255Gly (NM_001174121.2, NM_001385915.1); c.689C>G, p.Ala230Gly (NM_001174122.2); c.1097C>G, p.Ala366Gly (NM_001385876.1); c.1061C>G, p.Ala354Gly (NM_001385877.1); and 14 more; short protein forms A237G, A262G, A269G, A276G, A287G, A292G, A316G, A321G.
Identifiers: ClinVar variation 1040392 (VCV001040392.8), dbSNP rs2048607269, ClinGen allele CA377998299.
Genomic context (GRCh38, chr10:97,757,286, plus strand): 5'-GGGATGGGCGGGGGTTGAGCTGCTGCCTCTGTTTCTCAGGGAACTGCACGGGCTGCTCGG[C>G]CACCTTCTCAGTGCTGAAGAAGAGGGTGAGTGTCTGTGAGGGTGCATTTGTTGGGGACAG-3'
Protein context (NP_001372804.1, residues 345-365): NNFGNCTGCS[Ala355Gly]TFSVLKKRRS

ClinVar aggregate classification (germline): Uncertain significance (1 of 4 stars; one submission).

Conditions:
Spastic paraplegia. Identifiers: MedGen C0037772, HP:0001258.

Submission:

Labcorp Genetics (formerly Invitae), Labcorp
Classification: Uncertain significance for Spastic paraplegia. Last evaluated: 2022-11-08. Review status: criteria provided, single submitter. Criteria: Invitae Variant Classification Sherloc (09022015). Collection method: clinical testing. Allele origin: germline.
Comment: This sequence change replaces alanine, which is neutral and non-polar, with glycine, which is neutral and non-polar, at codon 360 of the ZFYVE27 protein (p.Ala360Gly). This variant is not present in population databases (gnomAD no frequency). This variant has not been reported in the literature in individuals affected with ZFYVE27-related conditions. ClinVar contains an entry for this variant (Variation ID: 1040392). Algorithms developed to predict the effect of missense changes on protein structure and function are either unavailable or do not agree on the potential impact of this missense change (SIFT: "Deleterious"; PolyPhen-2: "Benign"; Align-GVGD: "Class C55"). In summary, the available evidence is currently insufficient to determine the role of this variant in disease. Therefore, it has been classified as a Variant of Uncertain Significance.